The following is an entry in ClinVar:

ClinVar aggregate classification (germline): Uncertain significance (1 of 4 stars; one submission).

Submission:

Labcorp Genetics (formerly Invitae), Labcorp
Classification: Uncertain significance. Last evaluated: 2025-02-10. Review status: criteria provided, single submitter. Criteria: Invitae Variant Classification Sherloc (09022015). Collection method: clinical testing. Allele origin: germline.
Comment: This sequence change replaces threonine, which is neutral and polar, with serine, which is neutral and polar, at codon 539 of the ERBIN protein (p.Thr539Ser). This variant is not present in population databases (gnomAD no frequency). This variant has not been reported in the literature in individuals affected with ERBIN-related conditions. An algorithm developed to predict the effect of missense changes on protein structure and function (PolyPhen-2) suggests that this variant is likely to be tolerated. In summary, the available evidence is currently insufficient to determine the role of this variant in disease. Therefore, it has been classified as a Variant of Uncertain Significance.

NM_001253697.2(ERBIN):c.1616C>G (p.Thr539Ser)

Gene: ERBIN (erbb2 interacting protein; plus strand). Cytogenetic location: 5q12.3.
Variant type: single nucleotide variant.
Coding change: c.1616C>G on transcript NM_001253697.2 (MANE Select); coding-DNA position 1616, C replaced by G.
Protein change: p.Thr539Ser; replaces threonine 539 with serine.
Molecular consequence: missense variant.
Genome position (GRCh38, 1-based): chr5:66,046,366, C>G. VCF-style: chr5-66046366-C-G. GRCh37 (hg19) VCF-style: chr5-65342194-C-G.
Other names: c.1616C>G, p.Thr539Ser (NM_001006600.3, NM_001253698.2, NM_001253699.2 and 1 more transcripts); c.1604C>G, p.Thr535Ser (NM_001253701.2); short protein forms T535S, T539S.
Identifiers: ClinVar variation 3717395 (VCV003717395.2).